The following is an entry in ClinVar:

NM_003331.5(TYK2):c.3237C>T (p.Tyr1079=)

Gene: TYK2 (tyrosine kinase 2; minus strand). Cytogenetic location: 19p13.2.
Variant type: single nucleotide variant.
Coding change: c.3237C>T on transcript NM_003331.5 (MANE Select); coding-DNA position 3237, C replaced by T.
Protein change: p.Tyr1079=; no amino-acid change (tyrosine 1079 retained).
Molecular consequence: synonymous variant. On other transcripts: intron variant (1).
Genome position (GRCh38, 1-based): chr19:10,352,515, G>A on the plus strand (C>T on the coding strand, the complement: TYK2 is on the minus strand). VCF-style: chr19-10352515-G-A. GRCh37 (hg19) VCF-style: chr19-10463191-G-A.
Other names: c.3237C>T, p.Tyr1079= (NM_001385197.1, NM_001406461.1); c.3051C>T, p.Tyr1017= (NM_001385199.1); c.3234C>T, p.Tyr1078= (NM_001385200.1); c.3039C>T, p.Tyr1013= (NM_001385201.1); c.3153C>T, p.Tyr1051= (NM_001385202.1); c.3318C>T, p.Tyr1106= (NM_001385203.1); c.3447C>T, p.Tyr1149= (NM_001385204.1); c.3147C>T, p.Tyr1049= (NM_001385205.1); and 3 more.
Identifiers: ClinVar variation 3029253 (VCV003029253.2), dbSNP rs2512447992, ClinGen allele CA505371354.

ClinVar aggregate classification (germline): Likely benign (0 of 4 stars; one submission).

Conditions:
TYK2-related disorder. Also called: TYK2-related condition.

gnomAD v4.1: 1 of 1,595,562 alleles (0.000063%); highest among the groups gnomAD compares: Non-Finnish European, 0.000086%; no homozygotes.

Submission:

PreventionGenetics, part of Exact Sciences
Classification: Likely benign for TYK2-related condition. Last evaluated: 2021-07-29. Review status: no assertion criteria provided. Collection method: clinical testing. Allele origin: germline.
Comment: This variant is classified as likely benign based on ACMG/AMP sequence variant interpretation guidelines (Richards et al. 2015 PMID: 25741868, with internal and published modifications).